The following is an entry in ClinVar:

NM_000038.6(APC):c.423-3313C>A

Gene: APC (APC regulator of WNT signaling pathway; plus strand). Cytogenetic location: 5q22.2.
Variant type: single nucleotide variant.
Coding change: c.423-3313C>A on transcript NM_000038.6 (MANE Select); 3313 bases into the intron before coding-DNA position 423, C replaced by A.
Molecular consequence: intron variant.
Genome position (GRCh38, 1-based): chr5:112,772,316, C>A. VCF-style: chr5-112772316-C-A. GRCh37 (hg19) VCF-style: chr5-112108013-C-A.
Other names: c.423-3313C>A (NM_001354895.2, NM_001127510.3, NM_001354896.2 and 2 more transcripts); c.453-3313C>A (NM_001354897.2, NM_001354902.2, NM_001127511.3); c.348-3313C>A (NM_001354898.2, NM_001354904.2); c.-613-3313C>A (NM_001354906.2); c.246-3313C>A (NM_001354900.2, NM_001354901.2, NM_001354905.2).
Identifiers: ClinVar variation 82417 (VCV000082417.2), dbSNP rs78426873, ClinGen allele CA009294.
Genomic context (GRCh38, chr5:112,772,316, plus strand): 5'-TGTTCTGAGTCTAGCCTTAGTTTCAGTTCTGAGCCTTATGAACTGCTGTTGTGTGAGTCA[C>A]AAGGTCAACTACCATAATTTAATCACTTGCTATCATTTTAGCTGAAGACACTATAACCTT-3'

ClinVar aggregate classification (germline): other (0 of 4 stars; one submission).

Conditions:
Familial colorectal cancer. Identifiers: MedGen CN280943, MONDO:0023113. Disease mechanism: loss of function.

Submission:

Systems Biology Platform Zhejiang California International NanoSystems Institute
Classification: other for Familial colorectal cancer. Review status: no assertion criteria provided. Collection method: not provided. Allele origin: unknown.
ClinVar note: Converted during submission from cancer to other.